The following is an entry in ClinVar:

NM_003791.4(MBTPS1):c.1420A>G (p.Ile474Val)

Gene: MBTPS1 (membrane bound transcription factor peptidase, site 1; minus strand). Cytogenetic location: 16q23.3.
Variant type: single nucleotide variant.
Coding change: c.1420A>G on transcript NM_003791.4 (MANE Select); coding-DNA position 1420, A replaced by G.
Protein change: p.Ile474Val; replaces isoleucine 474 with valine.
Molecular consequence: missense variant.
Genome position (GRCh38, 1-based): chr16:84,081,775, T>C on the plus strand (A>G on the coding strand, the complement: MBTPS1 is on the minus strand). VCF-style: chr16-84081775-T-C. GRCh37 (hg19) VCF-style: chr16-84115380-T-C.
Other names: short protein forms I474V.
Identifiers: ClinVar variation 2697517 (VCV002697517.3), dbSNP rs770500858, ClinGen allele CA396933889.

ClinVar aggregate classification (germline): Uncertain significance (1 of 4 stars; one submission).

Submission:

Labcorp Genetics (formerly Invitae), Labcorp
Classification: Uncertain significance. Last evaluated: 2023-11-19. Review status: criteria provided, single submitter. Criteria: Invitae Variant Classification Sherloc (09022015). Collection method: clinical testing. Allele origin: germline.
Comment: This sequence change replaces isoleucine, which is neutral and non-polar, with valine, which is neutral and non-polar, at codon 474 of the MBTPS1 protein (p.Ile474Val). This variant is not present in population databases (gnomAD no frequency). This variant has not been reported in the literature in individuals affected with MBTPS1-related conditions. Algorithms developed to predict the effect of missense changes on protein structure and function output the following: SIFT: "Not Available"; PolyPhen-2: "Benign"; Align-GVGD: "Not Available". The valine amino acid residue is found in multiple mammalian species, which suggests that this missense change does not adversely affect protein function. In summary, the available evidence is currently insufficient to determine the role of this variant in disease. Therefore, it has been classified as a Variant of Uncertain Significance.